The following is an entry in ClinVar:

NC_000012.11:g.(?_8995710)_(9027607_?)dup

Gene: A2ML1 (alpha-2-macroglobulin like 1; plus strand). Cytogenetic location: 12p13.31.
Variant type: Duplication.
Identifiers: ClinVar variation 2427304 (VCV002427304.4).

ClinVar aggregate classification (germline): Uncertain significance (1 of 4 stars; one submission).

Submission:

Labcorp Genetics (formerly Invitae), Labcorp
Classification: Uncertain significance. Last evaluated: 2022-05-08. Review status: criteria provided, single submitter. Criteria: Invitae Variant Classification Sherloc (09022015). Collection method: clinical testing. Allele origin: germline.
Comment: In summary, the available evidence is currently insufficient to determine the role of this variant in disease. Therefore, it has been classified as a Variant of Uncertain Significance. A copy number gain of the genomic region encompassing the full coding sequence of the A2ML1 gene has been identified. The boundaries of this event are unknown as they extend beyond the assayed region for this gene and therefore may encompass additional genes. As the precise location of this event is unknown, it may be in tandem or it may be located elsewhere in the genome. This variant has not been reported in the literature in individuals affected with A2ML1-related conditions.